The following is an entry in ClinVar:

ClinVar aggregate classification (germline): Uncertain significance (1 of 4 stars; one submission).

Conditions:
Syndromic multisystem autoimmune disease due to ITCH deficiency. Also called: AUTOIMMUNE DISEASE, MULTISYSTEM, WITH FACIAL DYSMORPHISM. Identifiers: Orphanet 228426, MedGen C3150649, MONDO:0013245, OMIM 613385.

Allele frequency attached by ClinVar (database versions not stated): gnomAD exomes below 0.00001.
gnomAD v4.1: 1 of 1,613,662 alleles (0.000062%); highest among the groups gnomAD compares: Non-Finnish European, 0.000085%; no homozygotes.

Submission:

Labcorp Genetics (formerly Invitae), Labcorp
Classification: Uncertain significance for Syndromic multisystem autoimmune disease due to ITCH deficiency. Last evaluated: 2021-11-26. Review status: criteria provided, single submitter. Criteria: Invitae Variant Classification Sherloc (09022015). Collection method: clinical testing. Allele origin: germline.
Comment: In summary, the available evidence is currently insufficient to determine the role of this variant in disease. Therefore, it has been classified as a Variant of Uncertain Significance. Algorithms developed to predict the effect of missense changes on protein structure and function are either unavailable or do not agree on the potential impact of this missense change (SIFT: "Not Available"; PolyPhen-2: "Probably Damaging"; Align-GVGD: "Not Available"). This variant has not been reported in the literature in individuals affected with ITCH-related conditions. This variant is not present in population databases (gnomAD no frequency). This sequence change replaces serine, which is neutral and polar, with proline, which is neutral and non-polar, at codon 473 of the ITCH protein (p.Ser473Pro).

NM_031483.7(ITCH):c.1417T>C (p.Ser473Pro)

Gene: ITCH (itchy E3 ubiquitin protein ligase; plus strand). Cytogenetic location: 20q11.22.
Variant type: single nucleotide variant.
Coding change: c.1417T>C on transcript NM_031483.7 (MANE Select); coding-DNA position 1417, T replaced by C.
Protein change: p.Ser473Pro; replaces serine 473 with proline.
Molecular consequence: missense variant.
Genome position (GRCh38, 1-based): chr20:34,462,214, T>C. VCF-style: chr20-34462214-T-C. GRCh37 (hg19) VCF-style: chr20-33050019-T-C.
Other names: c.1540T>C, p.Ser514Pro (NM_001257137.3, NM_001324197.2); c.1087T>C, p.Ser363Pro (NM_001257138.3); c.1417T>C, p.Ser473Pro (NM_001324198.2); short protein forms S514P, S363P, S473P.
Identifiers: ClinVar variation 1499173 (VCV001499173.6), dbSNP rs1986597788, ClinGen allele CA408666648.
Genomic context (GRCh38, chr20:34,462,214, plus strand): 5'-CCATATTTTGTGGACCACAATAGAAGAACTACCACCTATATAGATCCCCGCACAGGAAAA[T>C]CTGCCCTGTAAGTTTTCTAAACATTGTAGATTAAGAGTAAAATACTAGTCCTTCAGATTT-3'
Protein context (NP_113671.3, residues 463-483): TTYIDPRTGK[Ser473Pro]ALDNGPQIAY